The following is an entry in ClinVar:

NM_201384.3(PLEC):c.13201G>A (p.Asp4401Asn)

Gene: PLEC (plectin; minus strand). Cytogenetic location: 8q24.3.
Variant type: single nucleotide variant.
Coding change: c.13201G>A on transcript NM_201384.3 (MANE Select); coding-DNA position 13201, G replaced by A.
Protein change: p.Asp4401Asn; replaces aspartic acid 4401 with asparagine.
Molecular consequence: missense variant.
Genome position (GRCh38, 1-based): chr8:143,916,620, C>T on the plus strand (G>A on the coding strand, the complement: PLEC is on the minus strand). VCF-style: chr8-143916620-C-T. GRCh37 (hg19) VCF-style: chr8-144990788-C-T.
Other names: c.13282G>A (NM_000445.3); c.13282G>A, p.Asp4428Asn (NM_000445.5); c.13159G>A, p.Asp4387Asn (NM_201378.4); c.13135G>A, p.Asp4379Asn (NM_201379.3); c.13612G>A, p.Asp4538Asn (NM_201380.4); c.13105G>A, p.Asp4369Asn (NM_201381.3); c.13201G>A, p.Asp4401Asn (NM_201382.4); c.13213G>A, p.Asp4405Asn (NM_201383.3); short protein forms D4369N, D4379N, D4387N, D4401N, D4405N, D4428N, D4538N.
Identifiers: ClinVar variation 497165 (VCV000497165.16), dbSNP rs782439392, ClinGen allele CA4923887.

ClinVar aggregate classification (germline): Uncertain significance. Review status: criteria provided, multiple submitters, no conflicts (2 of 4 stars). 5 submissions from 5 submitters: Uncertain significance (5). Last evaluated 2026-09-16.

Conditions:
Autosomal recessive limb-girdle muscular dystrophy type 2Q (LGMDR17). Also called: MUSCULAR DYSTROPHY, LIMB-GIRDLE, AUTOSOMAL RECESSIVE 17. Identifiers: Orphanet 254361, MedGen C3150989, MONDO:0013390, OMIM 613723.
Epidermolysis bullosa simplex 5B, with muscular dystrophy (EBS5B). Also called: EPIDERMOLYSIS BULLOSA SIMPLEX AND LIMB-GIRDLE MUSCULAR DYSTROPHY; Epidermolysis bullosa simplex with muscular dystrophy. Identifiers: Orphanet 257, MedGen C2931072, MONDO:0009181, OMIM 226670.
Epidermolysis bullosa simplex, Ogna type (EBS5A). Also called: Pidermolysis bullosa simplex 5A, Ogna type; EPIDERMOLYSIS BULLOSA SIMPLEX 5A, OGNA TYPE. Identifiers: Orphanet 79401, MedGen C0432317, MONDO:0007555, OMIM 131950.
Epidermolysis bullosa simplex with nail dystrophy (EBS5D). Identifiers: MedGen C4225309, MONDO:0014661, OMIM 616487.
Epidermolysis bullosa simplex 5C, with pyloric atresia (EBS5C). Also called: PLEC-Related Epidermolysis Bullosa with Pyloric Atresia; Epidermolysis bullosa simplex with pyloric atresia; PLEC1-Related Epidermolysis Bullosa with Pyloric Atresia. Identifiers: Orphanet 158684, MedGen C2677349, MONDO:0012807, OMIM 612138.
PLEC-related disorder. Also called: PLEC-related disorders; PLEC-related condition.
Inborn genetic diseases. Identifiers: MedGen C0950123, MeSH D030342.

Allele frequency attached by ClinVar (database versions not stated): TOPMed 0.00001; gnomAD 0.00004.
gnomAD v4.1: 38 of 1,609,918 alleles (0.0024%); highest among the groups gnomAD compares: East Asian, 0.031%; no homozygotes.

Submissions (5):

PreventionGenetics, part of Exact Sciences
Classification: Uncertain significance for PLEC-related condition. Last evaluated: 2026-09-16. Review status: criteria provided, single submitter. Criteria: ACMG Guidelines, 2015. Collection method: clinical testing. Allele origin: germline.
Comment: The PLEC c.13282G>A variant is predicted to result in the amino acid substitution p.Asp4428Asn. To our knowledge, this variant has not been reported in the literature. This variant is reported in 0.031% of alleles in individuals of East Asian descent in gnomAD. At this time, the clinical significance of this variant is uncertain due to the absence of conclusive functional and genetic evidence.

Revvity Omics, Revvity
Classification: Uncertain significance. Last evaluated: 2024-03-18. Review status: criteria provided, single submitter. Criteria: ACMG Guidelines, 2015. Collection method: clinical testing. Allele origin: germline.

Labcorp Genetics (formerly Invitae), Labcorp
Classification: Uncertain significance for Autosomal recessive limb-girdle muscular dystrophy type 2Q; Epidermolysis bullosa simplex, Ogna type; Epidermolysis bullosa simplex with nail dystrophy; Epidermolysis bullosa simplex 5C, with pyloric atresia; Epidermolysis bullosa simplex 5B, with muscular dystrophy. Last evaluated: 2023-05-10. Review status: criteria provided, single submitter. Criteria: Invitae Variant Classification Sherloc (09022015). Collection method: clinical testing. Allele origin: germline.
Comment: This variant has not been reported in the literature in individuals affected with PLEC-related conditions. This sequence change replaces aspartic acid, which is acidic and polar, with asparagine, which is neutral and polar, at codon 4428 of the PLEC protein (p.Asp4428Asn). This variant is present in population databases (rs782439392, gnomAD 0.03%). ClinVar contains an entry for this variant (Variation ID: 497165). Advanced modeling of protein sequence and biophysical properties (such as structural, functional, and spatial information, amino acid conservation, physicochemical variation, residue mobility, and thermodynamic stability) performed at Invitae indicates that this missense variant is not expected to disrupt PLEC protein function. In summary, the available evidence is currently insufficient to determine the role of this variant in disease. Therefore, it has been classified as a Variant of Uncertain Significance.

Ambry Genetics
Classification: Uncertain significance for Inborn genetic diseases. Last evaluated: 2022-08-08. Review status: criteria provided, single submitter. Criteria: Ambry Variant Classification Scheme 2023. Collection method: clinical testing. Allele origin: germline.

Eurofins Ntd Llc (ga)
Classification: Uncertain significance. Last evaluated: 2018-08-20. Review status: criteria provided, single submitter. Criteria: EGL ClinVar v180209 classification definitions. Collection method: clinical testing. Allele origin: germline. Observed: 2 variant alleles, 2 heterozygotes.